The following is an entry in ClinVar:

ClinVar aggregate classification (germline): Uncertain significance (1 of 4 stars; one submission).

gnomAD v4.1: 1 of 1,612,136 alleles (0.000062%); highest among the groups gnomAD compares: Non-Finnish European, 0.000085%; no homozygotes.

Submission:

Labcorp Genetics (formerly Invitae), Labcorp
Classification: Uncertain significance. Last evaluated: 2024-08-27. Review status: criteria provided, single submitter. Criteria: Invitae Variant Classification Sherloc (09022015). Collection method: clinical testing. Allele origin: germline.
Comment: This sequence change replaces proline, which is neutral and non-polar, with leucine, which is neutral and non-polar, at codon 456 of the GABRA2 protein (p.Pro456Leu). This variant is not present in population databases (gnomAD no frequency). This variant has not been reported in the literature in individuals affected with GABRA2-related conditions. Experimental studies and prediction algorithms are not available or were not evaluated, and the functional significance of this variant is currently unknown. In summary, the available evidence is currently insufficient to determine the role of this variant in disease. Therefore, it has been classified as a Variant of Uncertain Significance.

NM_000807.4(GABRA2):c.1187C>T (p.Pro396Leu)

Gene: GABRA2 (gamma-aminobutyric acid type A receptor subunit alpha2; minus strand). Cytogenetic location: 4p12.
Variant type: single nucleotide variant.
Coding change: c.1187C>T on transcript NM_000807.4 (MANE Select); coding-DNA position 1187, C replaced by T.
Protein change: p.Pro396Leu; replaces proline 396 with leucine.
Molecular consequence: missense variant.
Genome position (GRCh38, 1-based): chr4:46,250,477, G>A on the plus strand (C>T on the coding strand, the complement: GABRA2 is on the minus strand). VCF-style: chr4-46250477-G-A. GRCh37 (hg19) VCF-style: chr4-46252494-G-A.
Other names: c.1187C>T, p.Pro396Leu (NM_001377151.1, NM_001114175.3, NM_001377146.1 and 4 more transcripts); c.1022C>T, p.Pro341Leu (NM_001377152.1, NM_001377153.1, NM_001377154.1); c.1202C>T, p.Pro401Leu (NM_001286827.3); c.1367C>T, p.Pro456Leu (NM_001330690.2, NM_001377144.1, NM_001377145.1); short protein forms P341L, P456L, P396L, P401L.
Identifiers: ClinVar variation 3663485 (VCV003663485.2).
Genomic context (GRCh38, chr4:46,250,477, plus strand): 5'-TTGCTAACACTGTTGAAAGTTTTCTTTGCTTCAGCTGGCTTGTTTTCTGGCTTCTTGTTG[G>A]GTTCTGGCGTGGTTGCACTCTTGGAGATGGTGGAGAGAACTGGATCTTTTGAAAGATTCG-3'
Protein context (NP_000798.2, residues 386-406): TISKSATTPE[Pro396Leu]NKKPENKPAE